The following is an entry in ClinVar:

ClinVar aggregate classification (germline): Uncertain significance (1 of 4 stars; one submission).

Allele frequency attached by ClinVar (database versions not stated): gnomAD 0.00001; gnomAD exomes 0.00001; TOPMed 0.00001; ExAC 0.00002; 1000 Genomes Project 30x 0.00016; 1000 Genomes Project 0.00020.
gnomAD v4.1: 17 of 1,612,440 alleles (0.0011%); highest among the groups gnomAD compares: South Asian, 0.0033%; no homozygotes.

Submission:

Women's Health and Genetics/Laboratory Corporation of America, LabCorp
Classification: Uncertain significance. Last evaluated: 2023-03-21. Review status: criteria provided, single submitter. Criteria: LabCorp Variant Classification Summary - May 2015. Collection method: clinical testing. Allele origin: germline.
Comment: Variant summary: ZNF699 c.1891C>T (p.Arg631X) results in a premature termination codon, predicted to cause a truncation of the encoded protein, removing the last 12 amino acids. Truncations downstream of this position have not been classified by our laboratory or reported in online databases (HGMD, ClinVar). The variant allele was found at a frequency of 1.2e-05 in 248900 control chromosomes (gnomAD). The available data on variant occurrences in the general population are insufficient to allow any conclusion about variant significance. To our knowledge, no occurrence of c.1891C>T in individuals affected with DEGCAGS Syndrome and no experimental evidence demonstrating its impact on protein function have been reported. No clinical diagnostic laboratories have submitted clinical-significance assessments for this variant to ClinVar after 2014. Based on the evidence outlined above, the variant was classified as uncertain significance.

NM_198535.3(ZNF699):c.1891C>T (p.Arg631Ter)

Gene: ZNF699 (zinc finger protein 699; minus strand). Cytogenetic location: 19p13.2.
Variant type: single nucleotide variant.
Coding change: c.1891C>T on transcript NM_198535.3 (MANE Select); coding-DNA position 1891, C replaced by T.
Protein change: p.Arg631Ter; replaces arginine 631 with a stop codon.
Molecular consequence: nonsense.
Genome position (GRCh38, 1-based): chr19:9,295,513, G>A on the plus strand (C>T on the coding strand, the complement: ZNF699 is on the minus strand). VCF-style: chr19-9295513-G-A. GRCh37 (hg19) VCF-style: chr19-9406189-G-A.
Other names: short protein forms R631*.
Identifiers: ClinVar variation 2501019 (VCV002501019.1), dbSNP rs145027997, ClinGen allele CA9175917.